The following is an entry in ClinVar:

ClinVar aggregate classification (germline): Uncertain significance (1 of 4 stars; one submission).

Allele frequency attached by ClinVar (database versions not stated): gnomAD exomes below 0.00001; TOPMed 0.00001; ExAC 0.00002; gnomAD 0.00002.
gnomAD v4.1: 4 of 1,613,294 alleles (0.00025%); highest among the groups gnomAD compares: African/African-American, 0.0053%; no homozygotes.

Submission:

Ambry Genetics
Classification: Uncertain significance. Last evaluated: 2024-06-14. Review status: criteria provided, single submitter. Criteria: Ambry Variant Classification Scheme 2023. Collection method: clinical testing. Allele origin: germline.
Comment: The p.E555K variant (also known as c.1663G>A), located in coding exon 15 of the BUB1 gene, results from a G to A substitution at nucleotide position 1663. The glutamic acid at codon 555 is replaced by lysine, an amino acid with similar properties. This amino acid position is conserved. In addition, the in silico prediction for this alteration is inconclusive. Since supporting evidence is limited at this time, the clinical significance of this alteration remains unclear.

NM_004336.5(BUB1):c.1663G>A (p.Glu555Lys)

Gene: BUB1 (BUB1 mitotic checkpoint serine/threonine kinase; minus strand). Cytogenetic location: 2q13.
Variant type: single nucleotide variant.
Coding change: c.1663G>A on transcript NM_004336.5 (MANE Select); coding-DNA position 1663, G replaced by A.
Protein change: p.Glu555Lys; replaces glutamic acid 555 with lysine.
Molecular consequence: missense variant.
Genome position (GRCh38, 1-based): chr2:110,657,071, C>T on the plus strand (G>A on the coding strand, the complement: BUB1 is on the minus strand). VCF-style: chr2-110657071-C-T. GRCh37 (hg19) VCF-style: chr2-111414648-C-T.
Other names: c.1603G>A, p.Glu535Lys (NM_001278616.2); c.1663G>A, p.Glu555Lys (NM_001278617.2); short protein forms E555K, E535K.
Identifiers: ClinVar variation 1777532 (VCV001777532.3), dbSNP rs746460291, ClinGen allele CA1828015.